The following is an entry in ClinVar:

ClinVar aggregate classification (germline): Pathogenic (1 of 4 stars; one submission).

Conditions:
Hereditary cancer-predisposing syndrome. Also called: Tumor predisposition; Hereditary Cancer Syndrome; Hereditary neoplastic syndrome; Neoplastic Syndromes, Hereditary. Identifiers: Orphanet 140162, MedGen C0027672, MeSH D009386, MONDO:0015356.

Submission:

Ambry Genetics
Classification: Pathogenic for Hereditary cancer-predisposing syndrome. Last evaluated: 2017-06-02. Review status: criteria provided, single submitter. Criteria: Ambry Variant Classification Scheme 2023. Collection method: clinical testing. Allele origin: germline.
Comment: The p.E536* pathogenic mutation (also known as c.1606G>T), located in coding exon 12 of the APC gene, results from a G to T substitution at nucleotide position 1606. This changes the amino acid from a glutamic acid to a stop codon within coding exon 12. This alteration is expected to result in loss of function by premature protein truncation or nonsense-mediated mRNA decay. As such, this alteration is interpreted as a disease-causing mutation.

NM_000038.6(APC):c.1606G>T (p.Glu536Ter)

Gene: APC (APC regulator of Wnt signaling pathway; plus strand). Cytogenetic location: 5q22.2.
Variant type: single nucleotide variant.
Coding change: c.1606G>T on transcript NM_000038.6 (MANE Select); coding-DNA position 1606, G replaced by T.
Protein change: p.Glu536Ter; replaces glutamic acid 536 with a stop codon.
Molecular consequence: nonsense.
Genome position (GRCh38, 1-based): chr5:112,827,986, G>T. VCF-style: chr5-112827986-G-T. GRCh37 (hg19) VCF-style: chr5-112163683-G-T.
Other names: c.1606G>T, p.Glu536Ter (NM_001127510.3, NM_001354895.2); c.1552G>T, p.Glu518Ter (NM_001127511.3); c.1660G>T, p.Glu554Ter (NM_001354896.2); c.1636G>T, p.Glu546Ter (NM_001354897.2); c.1531G>T, p.Glu511Ter (NM_001354898.2); c.1522G>T, p.Glu508Ter (NM_001354899.2); c.1483G>T, p.Glu495Ter (NM_001354900.2); c.1429G>T, p.Glu477Ter (NM_001354901.2); and 5 more; short protein forms E518*, E536*, E253*, E435*, E495*, E511*, E554*, E376*.
Identifiers: ClinVar variation 486785 (VCV000486785.5), dbSNP rs138098808, ClinGen allele CA16024811.